The following is an entry in ClinVar:

NM_012232.6(CAVIN1):c.462del (p.Met154fs)

Gene: CAVIN1 (caveolae associated protein 1; minus strand). Cytogenetic location: 17q21.2.
Variant type: Deletion.
Coding change: c.462del on transcript NM_012232.6 (MANE Select); coding-DNA position 462, one base deleted (G; older notation c.462delG).
Protein change: p.Met154fs; shifts the reading frame from methionine 154.
Molecular consequence: frameshift variant.
Genome position (GRCh38, 1-based): chr17:42,422,636, C deleted on the plus strand (G on the coding strand, the reverse complement: CAVIN1 is on the minus strand). VCF-style (leftmost placement, unchanged base first): chr17-42422635-TC-T. GRCh37 (hg19) VCF-style: chr17-40574653-TC-T.
Other names: short protein forms M154fs.
Identifiers: ClinVar variation 4790660 (VCV004790660.1), dbSNP rs779638046.

ClinVar aggregate classification (germline): Pathogenic (1 of 4 stars; one submission).

Allele frequency attached by ClinVar (database versions not stated): TOPMed 0.00002; gnomAD 0.00001.

Submission:

Labcorp Genetics (formerly Invitae), Labcorp
Classification: Pathogenic. Last evaluated: 2025-11-05. Review status: criteria provided, single submitter. Criteria: Invitae Variant Classification Sherloc (09022015). Collection method: clinical testing. Allele origin: germline.
Comment: This sequence change creates a premature translational stop signal (p.Met154Ilefs*7) in the PTRF gene. While this is not anticipated to result in nonsense mediated decay, it is expected to disrupt the last 237 amino acid(s) of the PTRF protein. This variant is not present in population databases (gnomAD no frequency). This variant has not been reported in the literature in individuals affected with PTRF-related conditions. This variant disrupts a region of the PTRF protein in which other variant(s) (p.Lys173Serfs*101) have been determined to be pathogenic (PMID: 20684003; internal data). This suggests that this is a clinically significant region of the protein, and that variants that disrupt it are likely to be disease-causing. For these reasons, this variant has been classified as Pathogenic.

Literature cited by the submitters: PubMed 20684003.